The following is an entry in ClinVar:

NM_004577.4(PSPH):c.366G>C (p.Lys122Asn)

Gene: PSPH (phosphoserine phosphatase; minus strand). Cytogenetic location: 7p11.2.
Variant type: single nucleotide variant.
Coding change: c.366G>C on transcript NM_004577.4 (MANE Select); coding-DNA position 366, G replaced by C.
Protein change: p.Lys122Asn; replaces lysine 122 with asparagine.
Molecular consequence: missense variant.
Genome position (GRCh38, 1-based): chr7:56,017,289, C>G on the plus strand (G>C on the coding strand, the complement: PSPH is on the minus strand). VCF-style: chr7-56017289-C-G. GRCh37 (hg19) VCF-style: chr7-56084982-C-G.
Other names: c.366G>C, p.Lys122Asn (NM_001370503.1, NM_001370504.1, NM_001370505.1 and 17 more transcripts); short protein forms K122N.
Identifiers: ClinVar variation 2050578 (VCV002050578.1), dbSNP rs1788685345, ClinGen allele CA367596013.
Genomic context (GRCh38, chr7:56,017,289, plus strand): 5'-CTTACCGTTAAAGTAGAATTTCAGCCTATTGGCAAATACATTGGTTGCTGGGATATTGAG[C>G]TTTGAAGCAACATGCTCTACAATACTCCTAAAGCCACCAGATATTAGGAAAACCTGAACA-3'
Protein context (NP_004568.2, residues 112-132): FRSIVEHVAS[Lys122Asn]LNIPATNVFA

ClinVar aggregate classification (germline): Uncertain significance (1 of 4 stars; one submission).

Conditions:
Deficiency of phosphoserine phosphatase (PSPHD). Also called: Phosphoserine phosphatase deficiency; PSPH deficiency. Identifiers: Orphanet 79350, MedGen C1291463, MONDO:0013531, OMIM 614023.

Allele frequency attached by ClinVar (database versions not stated): gnomAD 0.00001; TOPMed 0.00001.
gnomAD v4.1: 15 of 1,613,782 alleles (0.00093%); highest among the groups gnomAD compares: Admixed American, 0.005%; no homozygotes.

Submission:

Labcorp Genetics (formerly Invitae), Labcorp
Classification: Uncertain significance for Deficiency of phosphoserine phosphatase. Last evaluated: 2022-02-17. Review status: criteria provided, single submitter. Criteria: Invitae Variant Classification Sherloc (09022015). Collection method: clinical testing. Allele origin: germline.
Comment: This sequence change replaces lysine, which is basic and polar, with asparagine, which is neutral and polar, at codon 122 of the PSPH protein (p.Lys122Asn). This variant is not present in population databases (gnomAD no frequency). This variant has not been reported in the literature in individuals affected with PSPH-related conditions. Algorithms developed to predict the effect of missense changes on protein structure and function (SIFT, PolyPhen-2, Align-GVGD) all suggest that this variant is likely to be tolerated. Algorithms developed to predict the effect of sequence changes on RNA splicing suggest that this variant is not likely to affect RNA splicing. In summary, the available evidence is currently insufficient to determine the role of this variant in disease. Therefore, it has been classified as a Variant of Uncertain Significance.